The following is an entry in ClinVar:

NM_001290060.2(SEMA3B):c.689G>T (p.Trp230Leu)

Genes: SEMA3B (semaphorin 3B; plus strand), LOC129936787 (ATAC-STARR-seq lymphoblastoid active region 19897; plus strand). Cytogenetic location: 3p21.31.
Variant type: single nucleotide variant.
Coding change: c.689G>T on transcript NM_001290060.2 (MANE Select); coding-DNA position 689, G replaced by T.
Protein change: p.Trp230Leu; replaces tryptophan 230 with leucine.
Molecular consequence: missense variant. On other transcripts: 5 prime UTR variant (1), intron variant (1).
Genome position (GRCh38, 1-based): chr3:50,273,322, G>T. VCF-style: chr3-50273322-G-T. GRCh37 (hg19) VCF-style: chr3-50310753-G-T.
Other names: c.689G>T, p.Trp230Leu (NM_001005914.3, NM_001290061.1, NM_004636.4); c.-338G>T (NM_001290062.2); c.-220+8G>T (NM_001290063.2); short protein forms W230L.
Identifiers: ClinVar variation 2634858 (VCV002634858.4), dbSNP rs111303262, ClinGen allele CA2413834.

ClinVar aggregate classification (germline): Uncertain significance (1 of 4 stars; one submission).

Conditions:
SEMA3B-related disorder. Also called: SEMA3B-related condition.

Allele frequency attached by ClinVar (database versions not stated): ExAC 0.00010; gnomAD 0.00012; TOPMed 0.00013; ESP Exome Variant Server 0.00016; gnomAD exomes 0.00038.
gnomAD v4.1: 572 of 1,613,806 alleles (0.035%); highest among the groups gnomAD compares: Non-Finnish European, 0.046%; no homozygotes.

Submission:

PreventionGenetics, part of Exact Sciences
Classification: Uncertain significance for SEMA3B-related condition. Last evaluated: 2026-02-25. Review status: criteria provided, single submitter. Criteria: ACMG Guidelines, 2015. Collection method: clinical testing. Allele origin: germline.
Comment: The SEMA3B c.689G>T variant is predicted to result in the amino acid substitution p.Trp230Leu. To our knowledge, this variant has not been reported in the literature. This variant is reported in 0.015% of alleles in individuals of European (Non-Finnish) descent in gnomAD. At this time, the clinical significance of this variant is uncertain due to the absence of conclusive functional and genetic evidence.